The following is an entry in ClinVar:

NM_020461.4(TUBGCP6):c.1118del (p.Pro373fs)

Gene: TUBGCP6 (tubulin gamma complex component 6; minus strand). Cytogenetic location: 22q13.33.
Variant type: Deletion.
Coding change: c.1118del on transcript NM_020461.4 (MANE Select); coding-DNA position 1118, one base deleted (C; older notation c.1118delC).
Protein change: p.Pro373fs; shifts the reading frame from proline 373.
Molecular consequence: frameshift variant.
Genome position (GRCh38, 1-based): chr22:50,229,576, G deleted on the plus strand (C on the coding strand, the reverse complement: TUBGCP6 is on the minus strand); the first of 2 consecutive G bases (chr22:50,229,576-50,229,577); deleting either gives the same sequence. VCF-style (leftmost placement, unchanged base first): chr22-50229575-CG-C. GRCh37 (hg19) VCF-style: chr22-50668004-CG-C.
Other names: short protein forms P373fs.
Identifiers: ClinVar variation 4999823 (VCV004999823.1).
Genomic context (GRCh38, chr22:50,229,575, plus strand): 5'-GATGCTCTCGGGAGACGCTCCTGACACGTGGACGCCCCGCTTCACCACAAAGGCCTGGGC[CG>C]GCTGCACAGGGGCAGAGGACACTGGTCACAGAGGCCAGGCACCCAGACCCCCAGTAAGGT-3'

ClinVar aggregate classification (germline): Likely pathogenic (1 of 4 stars; one submission).

Conditions:
TUBGCP6-related disorder. Also called: TUBGCP6-related condition.

Submission:

PreventionGenetics, part of Exact Sciences
Classification: Likely pathogenic for TUBGCP6-related condition. Last evaluated: 2025-07-02. Review status: criteria provided, single submitter. Criteria: ACMG Guidelines, 2015. Collection method: clinical testing. Allele origin: germline.
Comment: The TUBGCP6 c.1118delC variant is predicted to result in a frameshift and premature protein termination (p.Pro373Argfs*7). To our knowledge, this variant has not been reported in the literature or in a large population database (gnomAD), indicating this variant is rare. Frameshift variants in TUBGCP6 are expected to be pathogenic. This variant is interpreted as likely pathogenic.